The following is an entry in ClinVar:

ClinVar aggregate classification (germline): Likely benign. Review status: criteria provided, multiple submitters, no conflicts (2 of 4 stars). 2 submissions from 2 submitters: Likely benign (2). Last evaluated 2024-12-05.

Allele frequency attached by ClinVar (database versions not stated): gnomAD 0.00001 and 0.00002; TOPMed 0.00002; gnomAD exomes 0.00003 and 0.00005; ExAC 0.00007.
gnomAD v4.1: 40 of 1,613,718 alleles (0.0025%); highest among the groups gnomAD compares: East Asian, 0.013%; no homozygotes.

Submissions (2):

Labcorp Genetics (formerly Invitae), Labcorp
Classification: Likely benign. Last evaluated: 2024-12-05. Review status: criteria provided, single submitter. Criteria: Invitae Variant Classification Sherloc (09022015). Collection method: clinical testing. Allele origin: germline.

CeGaT Center for Human Genetics Tuebingen
Classification: Likely benign. Last evaluated: 2022-04-01. Review status: criteria provided, single submitter. Criteria: CeGaT Center For Human Genetics Tuebingen Variant Classification Criteria Version 2. Collection method: clinical testing. Allele origin: germline. Affected: yes. Observed: 1 variant allele.
Comment: LYN: BP4, BP7

NM_002350.4(LYN):c.414C>T (p.Asp138=)

Gene: LYN (LYN proto-oncogene, Src family tyrosine kinase; plus strand). Cytogenetic location: 8q12.1.
Variant type: single nucleotide variant.
Coding change: c.414C>T on transcript NM_002350.4 (MANE Select); coding-DNA position 414, C replaced by T.
Protein change: p.Asp138=; no amino-acid change (aspartic acid 138 retained).
Molecular consequence: synonymous variant.
Genome position (GRCh38, 1-based): chr8:55,950,711, C>T. VCF-style: chr8-55950711-C-T. GRCh37 (hg19) VCF-style: chr8-56863270-C-T.
Other names: c.351C>T, p.Asp117= (NM_001111097.3).
Identifiers: ClinVar variation 1588012 (VCV001588012.31), dbSNP rs767213766, ClinGen allele CA4754021.